The following is an entry in ClinVar:

ClinVar aggregate classification (germline): Benign/Likely benign. Review status: criteria provided, multiple submitters, no conflicts (2 of 4 stars). 6 submissions from 6 submitters: Benign (2); Likely benign (3). 1 of the submissions does not count toward it. Last evaluated 2026-04-01.

Conditions:
SLC46A1-related disorder. Also called: SLC46A1-related condition.
Congenital defect of folate absorption. Also called: Hereditary Folate Malabsorption. Identifiers: Orphanet 90045, MedGen C0342705, MONDO:0009238, OMIM 229050.

Allele frequency attached by ClinVar (database versions not stated): 1000 Genomes Project 30x 0.00062; 1000 Genomes Project 0.00080; ESP Exome Variant Server 0.00139; TOPMed 0.00189; gnomAD exomes 0.00252 and 0.00268; ExAC 0.00266; gnomAD 0.00269 and 0.00274.
gnomAD v4.1: 4,074 of 1,614,062 alleles (0.25%); highest among the groups gnomAD compares: Non-Finnish European, 0.27%; 10 homozygotes.

Submissions (6):

CeGaT Center for Human Genetics Tuebingen
Classification: Benign. Last evaluated: 2026-04-01. Review status: criteria provided, single submitter. Criteria: CeGaT Center For Human Genetics Tuebingen Variant Classification Criteria Version 2. Collection method: clinical testing. Allele origin: germline. Affected: yes. Observed: 8 variant alleles.
Comment: SLC46A1: BP4, BS1, BS2

Labcorp Genetics (formerly Invitae), Labcorp
Classification: Likely benign. Last evaluated: 2026-01-28. Review status: criteria provided, single submitter. Criteria: Invitae Variant Classification Sherloc (09022015). Collection method: clinical testing. Allele origin: germline.

Blueprint Genetics
Classification: Likely benign. Last evaluated: 2024-11-22. Review status: criteria provided, single submitter. Criteria: ACMG Guidelines, 2015. Collection method: clinical testing. Allele origin: germline.

Illumina Laboratory Services, Illumina
Classification: Likely benign for Congenital defect of folate absorption. Last evaluated: 2017-04-27. Review status: criteria provided, single submitter. Criteria: ICSL Variant Classification Criteria 13 December 2019. Collection method: clinical testing. Allele origin: germline.
Comment: This variant was observed as part of a predisposition screen in an ostensibly healthy population. A literature search was performed for the gene, cDNA change, and amino acid change (where applicable). No publications were found based on this search. Allele frequency data from public databases allowed determination this variant is unlikely to cause disease. Therefore, this variant is classified as likely benign.

Eurofins Ntd Llc (ga)
Classification: Benign. Last evaluated: 2016-05-30. Review status: criteria provided, single submitter. Criteria: EGL Classification Definitions 2015. Collection method: clinical testing. Allele origin: germline. Observed: 1 variant allele, 1 heterozygote.

PreventionGenetics, part of Exact Sciences
Classification: Benign for SLC46A1-related condition. Last evaluated: 2022-02-15. Review status: no assertion criteria provided. Collection method: clinical testing. Allele origin: germline. Not counted in ClinVar's aggregate classification.
Comment: This variant is classified as benign based on ACMG/AMP sequence variant interpretation guidelines (Richards et al. 2015 PMID: 25741868, with internal and published modifications).

NM_080669.6(SLC46A1):c.756C>G (p.Val252=)

Gene: SLC46A1 (solute carrier family 46 member 1; minus strand). Cytogenetic location: 17q11.2.
Variant type: single nucleotide variant.
Coding change: c.756C>G on transcript NM_080669.6 (MANE Select); coding-DNA position 756, C replaced by G.
Protein change: p.Val252=; no amino-acid change (valine 252 retained).
Molecular consequence: synonymous variant.
Genome position (GRCh38, 1-based): chr17:28,404,941, G>C on the plus strand (C>G on the coding strand, the complement: SLC46A1 is on the minus strand). VCF-style: chr17-28404941-G-C. GRCh37 (hg19) VCF-style: chr17-26731959-G-C.
Other names: c.756C>G, p.Val252= (NM_001242366.3).
Identifiers: ClinVar variation 288061 (VCV000288061.57), dbSNP rs185900287, ClinGen allele CA8458281.